The following is an entry in ClinVar:

NM_000088.4(COL1A1):c.3910C>T (p.Gln1304Ter)

Gene: COL1A1 (collagen type I alpha 1 chain; minus strand). Cytogenetic location: 17q21.33.
Variant type: single nucleotide variant.
Coding change: c.3910C>T on transcript NM_000088.4 (MANE Select); coding-DNA position 3910, C replaced by T.
Protein change: p.Gln1304Ter; replaces glutamine 1304 with a stop codon.
Molecular consequence: nonsense.
Genome position (GRCh38, 1-based): chr17:50,186,412, G>A on the plus strand (C>T on the coding strand, the complement: COL1A1 is on the minus strand). VCF-style: chr17-50186412-G-A. GRCh37 (hg19) VCF-style: chr17-48263773-G-A.
Other names: c.3910C>T (NM_000088.3); short protein forms Q1304*.
Identifiers: ClinVar variation 1074006 (VCV001074006.8), dbSNP rs2144534686, ClinGen allele CA400193527.
Genomic context (GRCh38, chr17:50,186,412, plus strand): 5'-CATGCCTCTTGTCCTTGGGGTTCTTGCTGATGTACCAGTTCTTCTGGGCCACACTGGGCT[G>A]AGTGGGGTACACGCAGGTCTCACCAGTCTCCATGTTGCAGAAGACTTTGATGGCATCCAG-3'

ClinVar aggregate classification (germline): Pathogenic. Review status: criteria provided, multiple submitters, no conflicts (2 of 4 stars). 2 submissions from 2 submitters: Pathogenic (2). Last evaluated 2024-01-22.

Conditions:
Osteogenesis imperfecta type I (OI1). Also called: OI, TYPE I; OSTEOGENESIS IMPERFECTA TARDA; OSTEOGENESIS IMPERFECTA WITH BLUE SCLERAE; Osteogenesis imperfecta type 1; Classic Non-deforming Osteogenesis Imperfecta with Blue Sclerae; Lobstein's Disease. Identifiers: Orphanet 216796, Orphanet 666, MedGen C0023931, MONDO:0008146, OMIM 166200. Disease mechanism: loss of function.

Submissions (2):

GeneDx
Classification: Pathogenic. Last evaluated: 2024-01-22. Review status: criteria provided, single submitter. Criteria: GeneDx Variant Classification Process June 2021. Collection method: clinical testing. Allele origin: germline. Affected: yes.
Comment: Nonsense variant predicted to result in protein truncation or nonsense mediated decay in a gene for which loss of function is a known mechanism of disease; Not observed at significant frequency in large population cohorts (gnomAD); This variant is associated with the following publications: (PMID: 25525159, 25146735, 19358256, 27509835)

Labcorp Genetics (formerly Invitae), Labcorp
Classification: Pathogenic for Osteogenesis imperfecta type I. Last evaluated: 2023-06-04. Review status: criteria provided, single submitter. Criteria: Invitae Variant Classification Sherloc (09022015). Collection method: clinical testing. Allele origin: germline.
Comment: For these reasons, this variant has been classified as Pathogenic. ClinVar contains an entry for this variant (Variation ID: 1074006). This premature translational stop signal has been observed in individual(s) with osteogenesis imperfecta (PMID: 19358256). This variant is not present in population databases (gnomAD no frequency). This sequence change creates a premature translational stop signal (p.Gln1304*) in the COL1A1 gene. It is expected to result in an absent or disrupted protein product. Loss-of-function variants in COL1A1 are known to be pathogenic (PMID: 7942841, 9295084, 9443882).

Literature cited by the submitters: PubMed 19358256 (cited by Labcorp Genetics (formerly Invitae), Labcorp); PubMed 7942841 (cited by Labcorp Genetics (formerly Invitae), Labcorp); PubMed 9295084 (cited by Labcorp Genetics (formerly Invitae), Labcorp); PubMed 9443882 (cited by Labcorp Genetics (formerly Invitae), Labcorp).